The following is an entry in ClinVar:

ClinVar aggregate classification (germline): Benign/Likely benign. Review status: criteria provided, multiple submitters, no conflicts (2 of 4 stars). 4 submissions from 4 submitters: Benign (1); Likely benign (3). Last evaluated 2026-01-05.

Conditions:
CHM-related disorder. Also called: CHM-related condition.

Allele frequency attached by ClinVar (database versions not stated): gnomAD exomes 0.00014 and 0.00025; ExAC 0.00015; gnomAD 0.00018 and 0.00019; TOPMed 0.00023.

Submissions (4):

Labcorp Genetics (formerly Invitae), Labcorp
Classification: Benign. Last evaluated: 2026-01-05. Review status: criteria provided, single submitter. Criteria: Invitae Variant Classification Sherloc (09022015). Collection method: clinical testing. Allele origin: germline.

CeGaT Center for Human Genetics Tuebingen
Classification: Likely benign. Last evaluated: 2025-08-01. Review status: criteria provided, single submitter. Criteria: CeGaT Center For Human Genetics Tuebingen Variant Classification Criteria Version 2. Collection method: clinical testing. Allele origin: germline. Affected: yes. Observed: 1 variant allele.
Comment: CHM: PM4, BS2

PreventionGenetics, part of Exact Sciences
Classification: Likely benign for CHM-related condition. Last evaluated: 2025-05-27. Review status: criteria provided, single submitter. Criteria: ACMG Guidelines, 2015. Collection method: clinical testing. Allele origin: germline.
Comment: This variant is classified as likely benign based on ACMG/AMP sequence variant interpretation guidelines (Richards et al. 2015 PMID: 25741868, with internal and published modifications).

Blueprint Genetics
Classification: Likely benign. Last evaluated: 2024-09-03. Review status: criteria provided, single submitter. Criteria: ACMG Guidelines, 2015. Collection method: clinical testing. Allele origin: germline.

NM_000390.4(CHM):c.1922_1933dup (p.Asn644_Leu645insGlnSerThrAsn)

Gene: CHM (CHM Rab escort protein; minus strand). Cytogenetic location: Xq21.2.
Variant type: Duplication.
Coding change: c.1922_1933dup on transcript NM_000390.4 (MANE Select); coding-DNA positions 1922 to 1933, 12 bases duplicated (AAAGCACAAACC).
Protein change: p.Asn644_Leu645insGlnSerThrAsn.
Molecular consequence: inframe insertion.
Genome position (GRCh38, 1-based): chrX:85,864,659-85,864,670, GGTTTGTGCTTT duplicated on the plus strand (AAAGCACAAACC on the coding strand, the reverse complement: CHM is on the minus strand). VCF-style (leftmost placement, unchanged base first): chrX-85864658-A-AGGTTTGTGCTTT. GRCh37 (hg19) VCF-style: chrX-85119663-A-AGGTTTGTGCTTT.
Other names: c.1922_1933dup (NM_000390.2); c.1478_1489dup, p.Asn496_Leu497insGlnSerThrAsn (NM_001320959.1, NM_001362517.1, NM_001362518.2 and 1 more transcripts); c.1922_1933dup12 (NM_000390.3).
Identifiers: ClinVar variation 715156 (VCV000715156.20), dbSNP rs767043768, ClinGen allele CA10465279.